The following is an entry in ClinVar:

ClinVar aggregate classification (germline): Uncertain significance (1 of 4 stars; one submission).

Conditions:
Ellis-van Creveld syndrome (EVC). Also called: EVC-Related Ellis-van Creveld Syndrome; EVC2-Related Ellis-van Creveld Syndrome; MESOECTODERMAL DYSPLASIA; Chondroectodermal dysplasia. Identifiers: Orphanet 289, MedGen C0013903, MONDO:0009162, OMIM 225500.
Curry-Hall syndrome (WAD). Also called: WEYERS ACRODENTAL DYSOSTOSIS. Identifiers: Orphanet 952, MedGen C0457013, MONDO:0008673, OMIM 193530.

gnomAD v4.1: 2 of 1,614,172 alleles (0.00012%); highest among the groups gnomAD compares: East Asian, 0.0045%; no homozygotes.

Submission:

Labcorp Genetics (formerly Invitae), Labcorp
Classification: Uncertain significance for Curry-Hall syndrome; Ellis-van Creveld syndrome. Last evaluated: 2024-07-16. Review status: criteria provided, single submitter. Criteria: Invitae Variant Classification Sherloc (09022015). Collection method: clinical testing. Allele origin: germline.
Comment: This sequence change replaces alanine, which is neutral and non-polar, with valine, which is neutral and non-polar, at codon 548 of the EVC2 protein (p.Ala548Val). This variant is present in population databases (rs758744646, gnomAD 0.01%). This variant has not been reported in the literature in individuals affected with EVC2-related conditions. An algorithm developed to predict the effect of missense changes on protein structure and function (PolyPhen-2) suggests that this variant is likely to be disruptive. In summary, the available evidence is currently insufficient to determine the role of this variant in disease. Therefore, it has been classified as a Variant of Uncertain Significance.

NM_147127.5(EVC2):c.1643C>T (p.Ala548Val)

Gene: EVC2 (EvC ciliary complex subunit 2; minus strand). Cytogenetic location: 4p16.2.
Variant type: single nucleotide variant.
Coding change: c.1643C>T on transcript NM_147127.5 (MANE Select); coding-DNA position 1643, C replaced by T.
Protein change: p.Ala548Val; replaces alanine 548 with valine.
Molecular consequence: missense variant.
Genome position (GRCh38, 1-based): chr4:5,631,860, G>A on the plus strand (C>T on the coding strand, the complement: EVC2 is on the minus strand). VCF-style: chr4-5631860-G-A. GRCh37 (hg19) VCF-style: chr4-5633587-G-A.
Other names: c.1403C>T, p.Ala468Val (NM_001166136.2); short protein forms A468V, A548V.
Identifiers: ClinVar variation 3750626 (VCV003750626.2).
Genomic context (GRCh38, chr4:5,631,860, plus strand): 5'-TTAGAATAATTTTGCAGCAGCATTTTAGCTGCCTCTGGTTTCAATTCCCCTTTGAAAATA[G>A]CACTTTTTATCTGGGTAAAAAAGATACTGTGCAGTTCATTTCTCTGGAAAACAGCCAGCT-3'
Protein context (NP_667338.3, residues 538-558): HSIFFTQIKS[Ala548Val]IFKGELKPEA